The following is an entry in ClinVar:

ClinVar aggregate classification (germline): Pathogenic (1 of 4 stars; one submission).

Conditions:
Thrombophilia due to protein C deficiency, autosomal dominant. Also called: PROTEIN C DEFICIENCY, AUTOSOMAL DOMINANT; PROC DEFICIENCY, AUTOSOMAL DOMINANT. Identifiers: Orphanet 745, MedGen C2674321, MONDO:0008316, OMIM 176860. Disease mechanism: loss of function.

Submission:

Labcorp Genetics (formerly Invitae), Labcorp
Classification: Pathogenic for Thrombophilia due to protein C deficiency, autosomal dominant. Last evaluated: 2022-06-08. Review status: criteria provided, single submitter. Criteria: Invitae Variant Classification Sherloc (09022015). Collection method: clinical testing. Allele origin: germline.
Comment: A gross deletion of the genomic region encompassing the full coding sequence of the PROC gene has been identified. Loss-of-function variants in PROC are known to be pathogenic (PMID: 17152060). The boundaries of this event are unknown as they extend beyond the assayed region for this gene and therefore may encompass additional genes. A similar copy number variant has been observed in individual(s) with clinical features of PROC-related conditions (PMID: 3185623). For these reasons, this variant has been classified as Pathogenic.

Literature cited by the submitters: PubMed 17152060; PubMed 3185623.

NC_000002.11:g.(?_127806102)_(129076137_?)del

Genes: WDR33 (WD repeat domain 33; minus strand), MAP3K2 (mitogen-activated protein kinase kinase kinase 2; minus strand), CYP27C1 (cytochrome P450 family 27 subfamily C member 1; minus strand), IWS1 (interacts with SUPT6H, CTD assembly factor 1; minus strand), ERCC3 (ERCC excision repair 3, TFIIH core complex helicase subunit; minus strand) and 11 more. Cytogenetic location: 2q14.3.
Variant type: Deletion.
Identifiers: ClinVar variation 2422856 (VCV002422856.2).